The following is an entry in ClinVar:

NM_002067.5(GNA11):c.627G>T (p.Gln209His)

Gene: GNA11 (G protein subunit alpha 11; plus strand). Cytogenetic location: 19p13.3.
Variant type: single nucleotide variant.
Coding change: c.627G>T on transcript NM_002067.5 (MANE Select); coding-DNA position 627, G replaced by T.
Protein change: p.Gln209His; replaces glutamine 209 with histidine.
Molecular consequence: missense variant.
Genome position (GRCh38, 1-based): chr19:3,118,945, G>T. VCF-style: chr19-3118945-G-T. GRCh37 (hg19) VCF-style: chr19-3118943-G-T.
Other names: short protein forms Q209H.
Identifiers: ClinVar variation 3238640 (VCV003238640.1), dbSNP rs2145325982.

ClinVar aggregate classification (germline): Pathogenic (1 of 4 stars; one submission).

Conditions:
Venous malformation (VM). Identifiers: MedGen C2937220, HP:0012721. Disease mechanism: gain of function.

Submission:

Clinical Genomics Laboratory, Washington University in St. Louis
Classification: Pathogenic for Venous malformation. Last evaluated: 2024-03-05. Review status: criteria provided, single submitter. Criteria: ACMG Guidelines, 2015. Collection method: clinical testing. Allele origin: somatic. Affected: yes.
Comment: A GNA11 c.627G>T (p.Gln209His) variant was identified at an allelic fraction consistent with somatic origin. The GNA11 c.627G>T (p.Gln209His) variant has been reported in several individuals with vascular malformations and is reported in several cases in the cancer database COSMIC (Chang Chien YC et al., PMID: 35979530; Jansen P et al., PMID: 34040639; Jordan M et al., PMID: 31726051; Klebanov N et al., PMID: 30601876; Liau JY et al., PMID: 31189994; Ten Broek RW et al., PMID: 30677207; COSMIC Genomic Mutation ID COSV50018251). This variant is absent from the general population (gnomAD v.4.0.0), indicating it is not a common variant. Computational predictors indicate that the GNA11 c.627G>T (p.Gln209His) variant is damaging, evidence that correlates with impact to GNA11 function. Several other variants in the same codon, c.626A>G (p.Gln209Arg), c.626A>T (p.Gln209Leu), and c.626A>C (p.Gln209Pro), have been reported in affected individuals and are considered pathogenic or likely pathogenic (ClinVar Variation IDs: 1691369, 376002, 376001). Based on an internally-developed protocol informed by the ACMG/AMP guidelines (Richards S et al., PMID: 25741868), the GNA11 c.627G>T (p.Gln209His) variant is classified as pathogenic.